The following is an entry in ClinVar:

NM_004736.4(XPR1):c.231C>T (p.Leu77=)

Gene: XPR1 (xenotropic and polytropic retrovirus receptor 1; plus strand). Cytogenetic location: 1q25.3.
Variant type: single nucleotide variant.
Coding change: c.231C>T on transcript NM_004736.4 (MANE Select); coding-DNA position 231, C replaced by T.
Protein change: p.Leu77=; no amino-acid change (leucine 77 retained).
Molecular consequence: synonymous variant. On other transcripts: non-coding transcript variant (1).
Genome position (GRCh38, 1-based): chr1:180,803,395, C>T. VCF-style: chr1-180803395-C-T. GRCh37 (hg19) VCF-style: chr1-180772531-C-T.
Other names: c.231C>T, p.Leu77= (NM_001135669.2, NM_001328662.2); c.231C>T (NM_004736.3).
Identifiers: ClinVar variation 2417228 (VCV002417228.10), dbSNP rs372023037, ClinGen allele CA1272514.

ClinVar aggregate classification (germline): Benign/Likely benign. Review status: criteria provided, multiple submitters, no conflicts (2 of 4 stars). 3 submissions from 3 submitters: Benign (1); Likely benign (1). 1 of the submissions does not count toward it. Last evaluated 2025-11-27.

Conditions:
XPR1-related disorder. Also called: XPR1-related condition.

Allele frequency attached by ClinVar (database versions not stated): TOPMed 0.00002; ESP Exome Variant Server 0.00008; gnomAD exomes 0.00010; ExAC 0.00012; gnomAD 0.00021.
gnomAD v4.1: 178 of 1,613,542 alleles (0.011%); highest among the groups gnomAD compares: Non-Finnish European, 0.0079%; no homozygotes.

Submissions (3):

Labcorp Genetics (formerly Invitae), Labcorp
Classification: Benign. Last evaluated: 2025-11-27. Review status: criteria provided, single submitter. Criteria: Invitae Variant Classification Sherloc (09022015). Collection method: clinical testing. Allele origin: germline.

Blueprint Genetics
Classification: Likely benign. Last evaluated: 2024-10-14. Review status: criteria provided, single submitter. Criteria: ACMG Guidelines, 2015. Collection method: clinical testing. Allele origin: germline.

PreventionGenetics, part of Exact Sciences
Classification: Likely benign for XPR1-related condition. Last evaluated: 2019-03-28. Review status: no assertion criteria provided. Collection method: clinical testing. Allele origin: germline. Not counted in ClinVar's aggregate classification.
Comment: This variant is classified as likely benign based on ACMG/AMP sequence variant interpretation guidelines (Richards et al. 2015 PMID: 25741868, with internal and published modifications).